The following is an entry in ClinVar:

NM_001348323.3(TRIP12):c.3817-10A>G

Gene: TRIP12 (thyroid hormone receptor interactor 12; minus strand). Cytogenetic location: 2q36.3.
Variant type: single nucleotide variant.
Coding change: c.3817-10A>G on transcript NM_001348323.3 (MANE Select); 10 bases into the intron before coding-DNA position 3817, A replaced by G.
Molecular consequence: intron variant.
Genome position (GRCh38, 1-based): chr2:229,795,340, T>C on the plus strand (A>G on the coding strand, the complement: TRIP12 is on the minus strand). VCF-style: chr2-229795340-T-C. GRCh37 (hg19) VCF-style: chr2-230660056-T-C.
Other names: c.2782-10A>G (NM_001284216.2); c.3592-10A>G (NM_004238.3); c.3610-10A>G (NM_001348331.1); c.3691-10A>G (NM_001348317.1, NM_001284215.2, NM_001348316.2 and 1 more transcripts); c.3730-10A>G (NM_001348332.1); c.3736-10A>G (NM_001284214.2, NM_001348315.2); c.3817-10A>G (NM_001348319.1, NM_001348322.1, NM_001348324.2 and 4 more transcripts); c.3739-10A>G (NM_001348333.1); and 1 more.
Identifiers: ClinVar variation 4985411 (VCV004985411.1).

ClinVar aggregate classification (germline): Likely benign (1 of 4 stars; one submission).

Conditions:
TRIP12-related disorder. Also called: TRIP12-related condition.

Submission:

PreventionGenetics, part of Exact Sciences
Classification: Likely benign for TRIP12-related condition. Last evaluated: 2025-05-02. Review status: criteria provided, single submitter. Criteria: ACMG Guidelines, 2015. Collection method: clinical testing. Allele origin: germline.
Comment: This variant is classified as likely benign based on ACMG/AMP sequence variant interpretation guidelines (Richards et al. 2015 PMID: 25741868, with internal and published modifications).